The following is an entry in ClinVar:

ClinVar aggregate classification (germline): Uncertain significance (1 of 4 stars; one submission).

Conditions:
Amyotrophic lateral sclerosis type 1 (ALS1). Also called: AMYOTROPHIC LATERAL SCLEROSIS 1, FAMILIAL. Identifiers: Orphanet 803, MedGen C1862939, MONDO:0007103, OMIM 105400.
Neuronopathy, distal hereditary motor, type 7B. Also called: HMN VIIB; LOWER MOTOR NEURON DISEASE, DYNACTIN TYPE; NEURONOPATHY, DISTAL HEREDITARY MOTOR, AUTOSOMAL DOMINANT 14; NEURONOPATHY, DISTAL HEREDITARY MOTOR, HARDING TYPE VIIB; NEUROPATHY, DISTAL HEREDITARY MOTOR, HARDING TYPE VIIB; NEUROPATHY, DISTAL HEREDITARY MOTOR, WITH VOCAL CORD PARALYSIS, HARDING TYPE VIIB. Identifiers: Orphanet 139589, MedGen C1843315, MONDO:0011879, OMIM 607641.
Perry syndrome. Also called: PARKINSONISM WITH ALVEOLAR HYPOVENTILATION AND MENTAL DEPRESSION. Identifiers: Orphanet 178509, MedGen C1868594, MONDO:0008201, OMIM 168605.

Allele frequency attached by ClinVar (database versions not stated): gnomAD exomes below 0.00001; ExAC 0.00001.
gnomAD v4.1: 5 of 1,613,682 alleles (0.00031%); highest among the groups gnomAD compares: Non-Finnish European, 0.00042%; no homozygotes.

Submission:

Labcorp Genetics (formerly Invitae), Labcorp
Classification: Uncertain significance for Amyotrophic lateral sclerosis type 1; Neuronopathy, distal hereditary motor, type 7B; Perry syndrome. Last evaluated: 2025-07-15. Review status: criteria provided, single submitter. Criteria: Invitae Variant Classification Sherloc (09022015). Collection method: clinical testing. Allele origin: germline.
Comment: This sequence change replaces isoleucine, which is neutral and non-polar, with valine, which is neutral and non-polar, at codon 1104 of the DCTN1 protein (p.Ile1104Val). This variant is present in population databases (rs746749814, gnomAD 0.0009%). This variant has not been reported in the literature in individuals affected with DCTN1-related conditions. ClinVar contains an entry for this variant (Variation ID: 2933445). Invitae Evidence Modeling of protein sequence and biophysical properties (such as structural, functional, and spatial information, amino acid conservation, physicochemical variation, residue mobility, and thermodynamic stability) indicates that this missense variant is not expected to disrupt DCTN1 protein function with a negative predictive value of 95%. In summary, the available evidence is currently insufficient to determine the role of this variant in disease. Therefore, it has been classified as a Variant of Uncertain Significance.

NM_004082.5(DCTN1):c.3310A>G (p.Ile1104Val)

Gene: DCTN1 (dynactin subunit 1; minus strand). Cytogenetic location: 2p13.1.
Variant type: single nucleotide variant.
Coding change: c.3310A>G on transcript NM_004082.5 (MANE Select); coding-DNA position 3310, A replaced by G.
Protein change: p.Ile1104Val; replaces isoleucine 1104 with valine.
Molecular consequence: missense variant. On other transcripts: non-coding transcript variant (1).
Genome position (GRCh38, 1-based): chr2:74,363,329, T>C on the plus strand (A>G on the coding strand, the complement: DCTN1 is on the minus strand). VCF-style: chr2-74363329-T-C. GRCh37 (hg19) VCF-style: chr2-74590456-T-C.
Other names: c.3235A>G, p.Ile1079Val (NM_001135040.3); c.2893A>G, p.Ile965Val (NM_001135041.3); c.3184A>G, p.Ile1062Val (NM_001190836.2); c.3289A>G, p.Ile1097Val (NM_001190837.2); c.3259A>G, p.Ile1087Val (NM_001378991.1); c.3241A>G, p.Ile1081Val (NM_001378992.1); c.2908A>G, p.Ile970Val (NM_023019.4); short protein forms I1079V, I1104V, I1062V, I970V, I1081V, I1087V, I965V, I1097V.
Identifiers: ClinVar variation 2933445 (VCV002933445.3), dbSNP rs746749814, ClinGen allele CA1721525.